The following is an entry in ClinVar:

NM_000038.6(APC):c.-14A>G

Gene: APC (APC regulator of Wnt signaling pathway; plus strand). Cytogenetic location: 5q22.2.
Variant type: single nucleotide variant.
Coding change: c.-14A>G on transcript NM_000038.6 (MANE Select); 14 bases upstream of the start codon, A replaced by G.
Molecular consequence: 5 prime UTR variant. On other transcripts: intron variant (8).
Genome position (GRCh38, 1-based): chr5:112,754,877, A>G. VCF-style: chr5-112754877-A-G. GRCh37 (hg19) VCF-style: chr5-112090574-A-G.
Other names: c.-14A>G (NM_001127510.3, NM_001354895.2, NM_001354896.2 and 2 more transcripts); c.-1049A>G (NM_001354906.2); c.166-11449A>G (NM_001354897.2, NM_001354902.2, NM_001127511.3); c.61-11449A>G (NM_001354898.2, NM_001354904.2); c.-42-11449A>G (NM_001354900.2, NM_001354901.2, NM_001354905.2).
Identifiers: ClinVar variation 382248 (VCV000382248.4), dbSNP rs1057521293, ClinGen allele CA16605132.
Genomic context (GRCh38, chr5:112,754,877, plus strand): 5'-CAAGCAGCCACTAAATTTTTTAGTAGTGAATTTCAAAATCCTTTTTAACCTTATAGGTCC[A>G]AGGGTAGCCAAGGATGGCTGCAGCTTCATATGATCAGTTGTTAAAGCAAGTTGAGGCACT-3'

ClinVar aggregate classification (germline): Likely benign. Review status: criteria provided, multiple submitters, no conflicts (2 of 4 stars). 3 submissions from 3 submitters: Likely benign (3). Last evaluated 2023-11-20.

Conditions:
Classic or attenuated familial adenomatous polyposis. Identifiers: MedGen CN372698, MONDO:0021057.
Hereditary cancer-predisposing syndrome. Also called: Tumor predisposition; Hereditary neoplastic syndrome; Neoplastic Syndromes, Hereditary; Hereditary Cancer Syndrome. Identifiers: Orphanet 140162, MedGen C0027672, MeSH D009386, MONDO:0015356.

Allele frequency attached by ClinVar (database versions not stated): gnomAD 0.00001; gnomAD exomes 0.00001; TOPMed 0.00002.
gnomAD v4.1: 16 of 1,613,402 alleles (0.00099%); highest among the groups gnomAD compares: African/African-American, 0.0013%; no homozygotes.

Submissions (3):

All of Us Research Program, National Institutes of Health
Classification: Likely benign for Classic or attenuated familial adenomatous polyposis. Last evaluated: 2023-11-20. Review status: criteria provided, single submitter. Criteria: ACMG Guidelines, 2015. Collection method: clinical testing. Allele origin: germline. Inheritance: Autosomal dominant inheritance. Observed: 2 variant alleles, 2 heterozygotes.
Comment: This study involves interpretation of variants in research participants for the purpose of population health screening. Participant phenotype was not available at the time of variant classification. Additional details can be found in publication PMID: 35346344, PMCID: PMC8962531

Color Diagnostics, LLC DBA Color Health
Classification: Likely benign for Hereditary cancer-predisposing syndrome. Last evaluated: 2018-02-22. Review status: criteria provided, single submitter. Criteria: ACMG Guidelines, 2015. Collection method: clinical testing. Allele origin: germline.

GeneDx
Classification: Likely benign. Last evaluated: 2015-12-10. Review status: criteria provided, single submitter. Criteria: GeneDx Variant Classification (06012015). Collection method: clinical testing. Allele origin: germline. Affected: yes.
Comment: This variant is considered likely benign or benign based on one or more of the following criteria: it is a conservative change, it occurs at a poorly conserved position in the protein, it is predicted to be benign by multiple in silico algorithms, and/or has population frequency not consistent with disease.